The following is an entry in ClinVar:

ClinVar aggregate classification (germline): Benign/Likely benign. Review status: criteria provided, multiple submitters, no conflicts (2 of 4 stars). 2 submissions from 2 submitters: Benign (1); Likely benign (1). Last evaluated 2026-04-23.

Conditions:
Hereditary cancer-predisposing syndrome. Also called: Neoplastic Syndromes, Hereditary; Tumor predisposition; Hereditary Cancer Syndrome; Hereditary neoplastic syndrome. Identifiers: Orphanet 140162, MedGen C0027672, MeSH D009386, MONDO:0015356.
Lynch syndrome 5 (LYNCH5). Also called: Hereditary non-polyposis colorectal cancer, type 5; Colorectal cancer, hereditary nonpolyposis, type 5. Identifiers: Orphanet 144, MedGen C1833477, MONDO:0013710, OMIM 614350. Disease mechanism: loss of function.

Submissions (2):

Ambry Genetics
Classification: Likely benign for Hereditary cancer-predisposing syndrome. Last evaluated: 2026-04-23. Review status: criteria provided, single submitter. Criteria: Ambry Variant Classification Scheme 2023. Collection method: clinical testing. Allele origin: germline.

Myriad Genetics, Inc.
Classification: Benign for Lynch syndrome 5. Last evaluated: 2025-01-03. Review status: criteria provided, single submitter. Criteria: Myriad Autosomal Dominant, Autosomal Recessive and X-Linked Classification Criteria (2023). Collection method: clinical testing. Allele origin: unknown.
Comment: This variant is considered benign. This variant is a silent/synonymous amino acid change and it is not expected to impact splicing.

NM_000179.3(MSH6):c.3189G>A (p.Leu1063=)

Gene: MSH6 (mutS homolog 6; plus strand). Cytogenetic location: 2p16.3.
Variant type: single nucleotide variant.
Coding change: c.3189G>A on transcript NM_000179.3 (MANE Select); coding-DNA position 3189, G replaced by A.
Protein change: p.Leu1063=; no amino-acid change (leucine 1063 retained).
Molecular consequence: synonymous variant. On other transcripts: 5 prime UTR variant (1), non-coding transcript variant (5), intron variant (1).
Genome position (GRCh38, 1-based): chr2:47,803,436, G>A. VCF-style: chr2-47803436-G-A. GRCh37 (hg19) VCF-style: chr2-48030575-G-A.
Other names: c.2799G>A, p.Leu933= (NM_001281492.2); c.2283G>A, p.Leu761= (NM_001281493.2, NM_001281494.2, NM_001406811.1 and 6 more transcripts); c.3285G>A, p.Leu1095= (NM_001406795.1, NM_001406802.1); c.3189G>A, p.Leu1063= (NM_001406796.1, NM_001406800.1, NM_001406808.1 and 1 more transcripts); c.2892G>A, p.Leu964= (NM_001406797.1, NM_001406801.1, NM_001406805.1 and 10 more transcripts); c.2664G>A, p.Leu888= (NM_001406799.1, NM_001406806.1, NM_001406807.1); c.2325G>A, p.Leu775= (NM_001406803.1); c.3111G>A, p.Leu1037= (NM_001406804.1); and 7 more.
Identifiers: ClinVar variation 3903946 (VCV003903946.2).